The following is an entry in ClinVar:

ClinVar aggregate classification (germline): Likely pathogenic (1 of 4 stars; one submission).

Conditions:
Familial cancer of breast. Also called: BREAST CANCER, FAMILIAL; hereditary breast carcinoma; Hereditary breast cancer. Identifiers: Orphanet 227535, MedGen C0346153, MONDO:0016419, OMIM 114480. Disease mechanism: loss of function.

Submission:

Myriad Genetics, Inc.
Classification: Likely pathogenic for Familial cancer of breast. Last evaluated: 2023-06-07. Review status: criteria provided, single submitter. Criteria: Myriad Autosomal Dominant, Autosomal Recessive and X-Linked Classification Criteria (2023). Collection method: clinical testing. Allele origin: unknown.
Comment: This variant is considered likely pathogenic. This variant occurs within a consensus splice junction and is predicted to result in abnormal mRNA splicing of either an out-of-frame exon or an in-frame exon necessary for protein stability and/or normal function.

NM_032043.3(BRIP1):c.2576-2A>C

Gene: BRIP1 (BRCA1 interacting DNA helicase 1; minus strand). Cytogenetic location: 17q23.2.
Variant type: single nucleotide variant.
Coding change: c.2576-2A>C on transcript NM_032043.3 (MANE Select); the canonical splice acceptor site of the intron before coding-DNA position 2576, A replaced by C.
Molecular consequence: splice acceptor variant.
Genome position (GRCh38, 1-based): chr17:61,686,167, T>G on the plus strand (A>C on the coding strand, the complement: BRIP1 is on the minus strand). VCF-style: chr17-61686167-T-G. GRCh37 (hg19) VCF-style: chr17-59763528-T-G.
Identifiers: ClinVar variation 2584287 (VCV002584287.2), dbSNP rs869312763, ClinGen allele CA400482021.